The following is an entry in ClinVar:

ClinVar aggregate classification (germline): Uncertain significance. Review status: criteria provided, multiple submitters, no conflicts (2 of 4 stars). 2 submissions from 2 submitters: Uncertain significance (2). Last evaluated 2026-04-09.

Conditions:
Hereditary cancer-predisposing syndrome. Also called: Tumor predisposition; Hereditary neoplastic syndrome; Neoplastic Syndromes, Hereditary; Hereditary Cancer Syndrome. Identifiers: Orphanet 140162, MedGen C0027672, MeSH D009386, MONDO:0015356.
Hereditary diffuse gastric adenocarcinoma (HDGC). Also called: DIFFUSE GASTRIC AND LOBULAR BREAST CANCER SYNDROME. Identifiers: Orphanet 26106, MedGen C1708349, MONDO:0007648, OMIM 137215.

gnomAD v4.1: 5 of 1,613,488 alleles (0.00031%); highest among the groups gnomAD compares: Non-Finnish European, 0.00042%; no homozygotes.

Submissions (2):

Ambry Genetics
Classification: Uncertain significance for Hereditary cancer-predisposing syndrome. Last evaluated: 2026-04-09. Review status: criteria provided, single submitter. Criteria: Ambry Variant Classification Scheme 2023. Collection method: clinical testing. Allele origin: germline.
Comment: The p.L681S variant (also known as c.2042T>C), located in coding exon 13 of the CDH1 gene, results from a T to C substitution at nucleotide position 2042. The leucine at codon 681 is replaced by serine, an amino acid with dissimilar properties. This amino acid position is conserved. In addition, the in silico prediction for this alteration is inconclusive. Based on the available evidence, the clinical significance of this variant remains unclear.

Labcorp Genetics (formerly Invitae), Labcorp
Classification: Uncertain significance for Hereditary diffuse gastric adenocarcinoma. Last evaluated: 2025-04-03. Review status: criteria provided, single submitter. Criteria: Invitae Variant Classification Sherloc (09022015). Collection method: clinical testing. Allele origin: germline.
Comment: This sequence change replaces leucine, which is neutral and non-polar, with serine, which is neutral and polar, at codon 681 of the CDH1 protein (p.Leu681Ser). This variant is not present in population databases (gnomAD no frequency). This variant has not been reported in the literature in individuals affected with CDH1-related conditions. ClinVar contains an entry for this variant (Variation ID: 3141066). An algorithm developed to predict the effect of missense changes on protein structure and function (PolyPhen-2) suggests that this variant is likely to be disruptive. In summary, the available evidence is currently insufficient to determine the role of this variant in disease. Therefore, it has been classified as a Variant of Uncertain Significance.

NM_004360.5(CDH1):c.2042T>C (p.Leu681Ser)

Gene: CDH1 (cadherin 1; plus strand). Cytogenetic location: 16q22.1.
Variant type: single nucleotide variant.
Coding change: c.2042T>C on transcript NM_004360.5 (MANE Select); coding-DNA position 2042, T replaced by C.
Protein change: p.Leu681Ser; replaces leucine 681 with serine.
Molecular consequence: missense variant.
Genome position (GRCh38, 1-based): chr16:68,823,504, T>C. VCF-style: chr16-68823504-T-C. GRCh37 (hg19) VCF-style: chr16-68857407-T-C.
Other names: c.1859T>C, p.Leu620Ser (NM_001317184.2); c.494T>C, p.Leu165Ser (NM_001317185.2); c.77T>C, p.Leu26Ser (NM_001317186.2); short protein forms L26S, L620S, L165S, L681S.
Identifiers: ClinVar variation 3141066 (VCV003141066.4), dbSNP rs2543945677, ClinGen allele CA396467730.